The following is an entry in ClinVar:

NM_033118.4(MYLK2):c.1152G>T (p.Met384Ile)

Gene: MYLK2 (myosin light chain kinase 2; plus strand). Cytogenetic location: 20q11.21.
Variant type: single nucleotide variant.
Coding change: c.1152G>T on transcript NM_033118.4 (MANE Select); coding-DNA position 1152, G replaced by T.
Protein change: p.Met384Ile; replaces methionine 384 with isoleucine.
Molecular consequence: missense variant.
Genome position (GRCh38, 1-based): chr20:31,826,866, G>T. VCF-style: chr20-31826866-G-T. GRCh37 (hg19) VCF-style: chr20-30414669-G-T.
Other names: short protein forms M384I.
Identifiers: ClinVar variation 3228189 (VCV003228189.1), dbSNP rs1319892872, ClinGen allele CA408527220.

ClinVar aggregate classification (germline): Uncertain significance (1 of 4 stars; one submission).

gnomAD v4.1: 1 of 1,614,138 alleles (0.000062%); highest among the groups gnomAD compares: Non-Finnish European, 0.000085%; no homozygotes.

Submission:

Ambry Genetics
Classification: Uncertain significance. Last evaluated: 2024-03-14. Review status: criteria provided, single submitter. Criteria: Ambry Variant Classification Scheme 2023. Collection method: clinical testing. Allele origin: germline.
Comment: The p.M384I variant (also known as c.1152G>T), located in coding exon 7 of the MYLK2 gene, results from a G to T substitution at nucleotide position 1152. The methionine at codon 384 is replaced by isoleucine, an amino acid with highly similar properties. This amino acid position is conserved. In addition, this alteration is predicted to be tolerated by in silico analysis. Based on the available evidence, the clinical significance of this alteration remains unclear.